The following is an entry in ClinVar:

NM_005902.4(SMAD3):c.623C>G (p.Ser208Cys)

Gene: SMAD3 (SMAD family member 3; plus strand). Cytogenetic location: 15q22.33.
Variant type: single nucleotide variant.
Coding change: c.623C>G on transcript NM_005902.4 (MANE Select); coding-DNA position 623, C replaced by G.
Protein change: p.Ser208Cys; replaces serine 208 with cysteine.
Molecular consequence: missense variant.
Genome position (GRCh38, 1-based): chr15:67,170,569, C>G. VCF-style: chr15-67170569-C-G. GRCh37 (hg19) VCF-style: chr15-67462907-C-G.
Other names: c.623C>G (NM_005902.3); c.308C>G, p.Ser103Cys (NM_001145102.2, NM_001407016.1); c.491C>G, p.Ser164Cys (NM_001145103.2, NM_001407012.1); c.38C>G, p.Ser13Cys (NM_001145104.2, NM_001407017.1); c.623C>G, p.Ser208Cys (NM_001407011.1, NM_001407013.1); c.476C>G, p.Ser159Cys (NM_001407014.1); c.176C>G, p.Ser59Cys (NM_001407015.1); short protein forms S159C, S208C, S103C, S13C, S59C, S164C.
Identifiers: ClinVar variation 4777378 (VCV004777378.2).

ClinVar aggregate classification (germline): Uncertain significance. Review status: criteria provided, multiple submitters, no conflicts (2 of 4 stars). 2 submissions from 2 submitters: Uncertain significance (2). Last evaluated 2026-01-17.

Conditions:
Familial thoracic aortic aneurysm and aortic dissection (TAAD). Also called: Thoracic aortic aneurysms and dissections. Identifiers: Orphanet 91387, MedGen C4707243, MONDO:0019625.

gnomAD v4.1: 1 of 1,614,002 alleles (0.000062%); highest among the groups gnomAD compares: African/African-American, 0.0013%; no homozygotes.

Submissions (2):

Ambry Genetics
Classification: Uncertain significance for Familial thoracic aortic aneurysm and aortic dissection. Last evaluated: 2026-01-17. Review status: criteria provided, single submitter. Criteria: Ambry Variant Classification Scheme 2023. Collection method: clinical testing. Allele origin: germline.
Comment: The p.S208C variant (also known as c.623C>G), located in coding exon 5 of the SMAD3 gene, results from a C to G substitution at nucleotide position 623. The serine at codon 208 is replaced by cysteine, an amino acid with dissimilar properties. This amino acid position is conserved. In addition, this alteration is predicted to be deleterious by in silico analysis. Based on the available evidence, the clinical significance of this variant remains unclear.

Labcorp Genetics (formerly Invitae), Labcorp
Classification: Uncertain significance for Familial thoracic aortic aneurysm and aortic dissection. Last evaluated: 2025-06-14. Review status: criteria provided, single submitter. Criteria: Invitae Variant Classification Sherloc (09022015). Collection method: clinical testing. Allele origin: germline.
Comment: This sequence change replaces serine, which is neutral and polar, with cysteine, which is neutral and slightly polar, at codon 208 of the SMAD3 protein (p.Ser208Cys). This variant is not present in population databases (gnomAD no frequency). This variant has not been reported in the literature in individuals affected with SMAD3-related conditions. Invitae Evidence Modeling of protein sequence and biophysical properties (such as structural, functional, and spatial information, amino acid conservation, physicochemical variation, residue mobility, and thermodynamic stability) indicates that this missense variant is not expected to disrupt SMAD3 protein function with a negative predictive value of 80%. In summary, the available evidence is currently insufficient to determine the role of this variant in disease. Therefore, it has been classified as a Variant of Uncertain Significance.